The following is an entry in ClinVar:

ClinVar aggregate classification (germline): Conflicting classifications of pathogenicity. Review status: criteria provided, conflicting classifications (1 of 4 stars). 2 submissions from 2 submitters: Uncertain significance (1); Likely benign (1). Last evaluated 2024-02-22.

Conditions:
Arrhythmogenic cardiomyopathy with wooly hair and keratoderma. Also called: Arrhythmogenic cardiomyopathy with woolly hair and keratoderma; PALMOPLANTAR KERATODERMA WITH LEFT VENTRICULAR CARDIOMYOPATHY AND WOOLLY HAIR; Carvajal syndrome; Dilated cardiomyopathy with woolly hair and keratoderma. Identifiers: Orphanet 65282, MedGen C1854063, MONDO:0011581, OMIM 605676.
Arrhythmogenic right ventricular dysplasia 8 (ARVD8). Also called: Arrhythmogenic Right Ventricular Dysplasia/Cardiomyopathy 8; ARRHYTHMOGENIC RIGHT VENTRICULAR DYSPLASIA, FAMILIAL, 8; ARRHYTHMOGENIC RIGHT VENTRICULAR CARDIOMYOPATHY 8. Identifiers: MedGen C1843896, MONDO:0011831, OMIM 607450.

Allele frequency attached by ClinVar (database versions not stated): gnomAD exomes below 0.00001.
gnomAD v4.1: 2 of 1,613,884 alleles (0.00012%); highest among the groups gnomAD compares: South Asian, 0.0022%; no homozygotes.

Submissions (2):

All of Us Research Program, National Institutes of Health
Classification: Uncertain significance for Arrhythmogenic cardiomyopathy with wooly hair and keratoderma. Last evaluated: 2024-02-22. Review status: criteria provided, single submitter. Criteria: ACMG Guidelines, 2015. Collection method: clinical testing. Allele origin: germline. Inheritance: Autosomal dominant inheritance. Observed: 1 variant allele, 1 heterozygote.
Comment: This missense variant replaces threonine with serine at codon 760 of the DSP protein. Computational prediction suggests that this variant may not impact protein structure and function (internally defined REVEL score threshold <= 0.5, PMID: 27666373). To our knowledge, functional studies have not been reported for this variant. This variant has not been reported in individuals affected with DSP-related disorders in the literature. This variant has been identified in 1/251134 chromosomes in the general population by the Genome Aggregation Database (gnomAD). The available evidence is insufficient to determine the role of this variant in disease conclusively. Therefore, this variant is classified as a Variant of Uncertain Significance.

This study involves interpretation of variants in research participants for the purpose of population health screening. Participant phenotype was not available at the time of variant classification. Additional details can be found in publication PMID: 35346344, PMCID: PMC8962531

Labcorp Genetics (formerly Invitae), Labcorp
Classification: Likely benign for Arrhythmogenic cardiomyopathy with wooly hair and keratoderma; Arrhythmogenic right ventricular dysplasia 8. Last evaluated: 2023-07-17. Review status: criteria provided, single submitter. Criteria: Invitae Variant Classification Sherloc (09022015). Collection method: clinical testing. Allele origin: germline.

NM_004415.4(DSP):c.2278A>T (p.Thr760Ser)

Gene: DSP (desmoplakin; plus strand). Cytogenetic location: 6p24.3.
Variant type: single nucleotide variant.
Coding change: c.2278A>T on transcript NM_004415.4 (MANE Select); coding-DNA position 2278, A replaced by T.
Protein change: p.Thr760Ser; replaces threonine 760 with serine.
Molecular consequence: missense variant.
Genome position (GRCh38, 1-based): chr6:7,574,233, A>T. VCF-style: chr6-7574233-A-T. GRCh37 (hg19) VCF-style: chr6-7574466-A-T.
Other names: c.2278A>T, p.Thr760Ser (NM_001008844.3, NM_001319034.2); short protein forms T760S.
Identifiers: ClinVar variation 2943534 (VCV002943534.4), dbSNP rs1255988475, ClinGen allele CA362680961.